The following is an entry in ClinVar:

NM_000257.4(MYH7):c.3065A>T (p.Lys1022Met)

Gene: MYH7 (myosin heavy chain 7; minus strand). Cytogenetic location: 14q11.2.
Variant type: single nucleotide variant.
Coding change: c.3065A>T on transcript NM_000257.4 (MANE Select); coding-DNA position 3065, A replaced by T.
Protein change: p.Lys1022Met; replaces lysine 1022 with methionine.
Molecular consequence: missense variant.
Genome position (GRCh38, 1-based): chr14:23,423,581, T>A on the plus strand (A>T on the coding strand, the complement: MYH7 is on the minus strand). VCF-style: chr14-23423581-T-A. GRCh37 (hg19) VCF-style: chr14-23892790-T-A.
Other names: c.3065A>T, p.Lys1022Met (NM_001407004.1); short protein forms K1022M.
Identifiers: ClinVar variation 1721955 (VCV001721955.7), dbSNP rs2502277687, ClinGen allele CA389045731.
Genomic context (GRCh38, chr14:23,423,581, plus strand): 5'-GGCCCCACAACTCTCAATCTACTCACATCATCCACTTGCTGCTCCAGCTTGACTTTGGCC[T>A]TAGTCAGGGTGTTGACCTTGTCCTCCTCGGCCTGAAGGTCATCCAGAGCCTGTTGGTGGG-3'
Protein context (NP_000248.2, residues 1012-1032): AEEDKVNTLT[Lys1022Met]AKVKLEQQVD

ClinVar aggregate classification (germline): Uncertain significance. Review status: criteria provided, multiple submitters, no conflicts (2 of 4 stars). 2 submissions from 2 submitters: Uncertain significance (2). Last evaluated 2024-10-30.

Conditions:
Hypertrophic cardiomyopathy. Also called: HYPERTROPHIC MYOCARDIOPATHY. Identifiers: Orphanet 217569, MedGen C0007194, MeSH D002312, MONDO:0005045, HP:0001639.
Cardiomyopathy (CMYO). Also called: Cardiomyopathies. Identifiers: Orphanet 167848, MedGen C0878544, MONDO:0004994, HP:0001638. Inheritance: Various modes of inheritance.

Submissions (2):

Labcorp Genetics (formerly Invitae), Labcorp
Classification: Uncertain significance for Hypertrophic cardiomyopathy. Last evaluated: 2024-10-30. Review status: criteria provided, single submitter. Criteria: Invitae Variant Classification Sherloc (09022015). Collection method: clinical testing. Allele origin: germline.
Comment: This sequence change replaces lysine, which is basic and polar, with methionine, which is neutral and non-polar, at codon 1022 of the MYH7 protein (p.Lys1022Met). This variant is not present in population databases (gnomAD no frequency). This missense change has been observed in individual(s) with hypertrophic cardiomyopathy (PMID: 37652022). ClinVar contains an entry for this variant (Variation ID: 1721955). Invitae Evidence Modeling of protein sequence and biophysical properties (such as structural, functional, and spatial information, amino acid conservation, physicochemical variation, residue mobility, and thermodynamic stability) indicates that this missense variant is expected to disrupt MYH7 protein function with a positive predictive value of 95%. In summary, the available evidence is currently insufficient to determine the role of this variant in disease. Therefore, it has been classified as a Variant of Uncertain Significance.

CHEO Genetics Diagnostic Laboratory, Children's Hospital of Eastern Ontario
Classification: Uncertain significance for Cardiomyopathy. Last evaluated: 2021-07-23. Review status: criteria provided, single submitter. Criteria: ACMG Guidelines, 2015. Collection method: clinical testing. Allele origin: germline.

Literature cited by the submitters: PubMed 37652022 (cited by Labcorp Genetics (formerly Invitae), Labcorp).